The following is an entry in ClinVar:

NM_000180.4(GUCY2D):c.1770G>T (p.Glu590Asp)

Gene: GUCY2D (guanylate cyclase 2D, retinal; plus strand). Cytogenetic location: 17p13.1.
Variant type: single nucleotide variant.
Coding change: c.1770G>T on transcript NM_000180.4 (MANE Select); coding-DNA position 1770, G replaced by T.
Protein change: p.Glu590Asp; replaces glutamic acid 590 with aspartic acid.
Molecular consequence: missense variant.
Genome position (GRCh38, 1-based): chr17:8,012,164, G>T. VCF-style: chr17-8012164-G-T. GRCh37 (hg19) VCF-style: chr17-7915482-G-T.
Other names: short protein forms E590D.
Identifiers: ClinVar variation 1979034 (VCV001979034.5), dbSNP rs1975862719, ClinGen allele CA397951227.

ClinVar aggregate classification (germline): Uncertain significance. Review status: criteria provided, multiple submitters, no conflicts (2 of 4 stars). 2 submissions from 2 submitters: Uncertain significance (2). Last evaluated 2025-09-25.

Conditions:
Inborn genetic diseases. Identifiers: MedGen C0950123, MeSH D030342.
Cone-rod dystrophy 6 (CORD6). Also called: RETINAL CONE DYSTROPHY 2; Cone dystrophy progressive. Identifiers: Orphanet 1872, MedGen C1866293, MONDO:0011143, OMIM 601777.
Leber congenital amaurosis 1 (LCA1). Also called: Congenital absence of the rods and cones; Leber's congenital tapetoretinal degeneration; Leber's congenital tapetoretinal dysplasia; RETINAL BLINDNESS, CONGENITAL; AMAUROSIS CONGENITA OF LEBER I. Identifiers: Orphanet 65, MedGen C2931258, MONDO:0008764, OMIM 204000.

Allele frequency attached by ClinVar (database versions not stated): TOPMed 0.00001; gnomAD 0.00002.

Submissions (2):

Ambry Genetics
Classification: Uncertain significance for Inborn genetic diseases. Last evaluated: 2025-09-25. Review status: criteria provided, single submitter. Criteria: Ambry Variant Classification Scheme 2023. Collection method: clinical testing. Allele origin: germline.

Labcorp Genetics (formerly Invitae), Labcorp
Classification: Uncertain significance for Leber congenital amaurosis 1; Cone-rod dystrophy 6. Last evaluated: 2024-03-11. Review status: criteria provided, single submitter. Criteria: Invitae Variant Classification Sherloc (09022015). Collection method: clinical testing. Allele origin: germline.
Comment: This sequence change replaces glutamic acid, which is acidic and polar, with aspartic acid, which is acidic and polar, at codon 590 of the GUCY2D protein (p.Glu590Asp). This variant is not present in population databases (gnomAD no frequency). This variant has not been reported in the literature in individuals affected with GUCY2D-related conditions. ClinVar contains an entry for this variant (Variation ID: 1979034). Algorithms developed to predict the effect of missense changes on protein structure and function output the following: SIFT: "Not Available"; PolyPhen-2: "Benign"; Align-GVGD: "Not Available". The aspartic acid amino acid residue is found in multiple mammalian species, which suggests that this missense change does not adversely affect protein function. In summary, the available evidence is currently insufficient to determine the role of this variant in disease. Therefore, it has been classified as a Variant of Uncertain Significance.